The following is an entry in ClinVar:

NM_001267550.2(TTN):c.42132T>G (p.Thr14044=)

Gene: TTN (titin; minus strand). Cytogenetic location: 2q31.2.
Variant type: single nucleotide variant.
Coding change: c.42132T>G on transcript NM_001267550.2 (MANE Select); coding-DNA position 42132, T replaced by G.
Protein change: p.Thr14044=; no amino-acid change (threonine 14044 retained).
Molecular consequence: synonymous variant.
Genome position (GRCh38, 1-based): chr2:178,634,742, A>C on the plus strand (T>G on the coding strand, the complement: TTN is on the minus strand). VCF-style: chr2-178634742-A-C. GRCh37 (hg19) VCF-style: chr2-179499469-A-C.
Other names: c.37209T>G, p.Thr12403= (NM_001256850.1); c.14937T>G, p.Thr4979= (NM_003319.4); c.34428T>G, p.Thr11476= (NM_133378.4); c.15312T>G, p.Thr5104= (NM_133432.3); c.15513T>G, p.Thr5171= (NM_133437.4).
Identifiers: ClinVar variation 3025443 (VCV003025443.22), dbSNP rs2471559288, ClinGen allele CA430114280.

ClinVar aggregate classification (germline): Likely benign (1 of 4 stars; one submission).

Submission:

CeGaT Center for Human Genetics Tuebingen
Classification: Likely benign. Last evaluated: 2024-01-01. Review status: criteria provided, single submitter. Criteria: CeGaT Center For Human Genetics Tuebingen Variant Classification Criteria Version 2. Collection method: clinical testing. Allele origin: germline. Affected: yes. Observed: 2 variant alleles.
Comment: TTN: PM2:Supporting, BP4, BP7